The following is an entry in ClinVar:

ClinVar aggregate classification (germline): Uncertain significance (1 of 4 stars; one submission).

Conditions:
Inborn genetic diseases. Identifiers: MedGen C0950123, MeSH D030342.

Submission:

Ambry Genetics
Classification: Uncertain significance for Inborn genetic diseases. Last evaluated: 2021-06-02. Review status: criteria provided, single submitter. Criteria: Ambry Variant Classification Scheme 2023. Collection method: clinical testing. Allele origin: germline.
Comment: The c.1302+1G>C intronic variant results from a G to C substitution one nucleotide(s) after coding exon 10 of the ATP1A3 gene. Alterations that disrupt the canonical splice site are expected to cause aberrant splicing, resulting in an abnormal protein or a transcript that is subject to nonsense-mediated mRNA decay. Based on data from the Genome Aggregation Database (gnomAD), the ATP1A3 c.1302+1G>C alteration was not observed, with coverage at this position. In silico splice site analysis predicts that this alteration will weaken the native splice donor site. Based on insufficient or conflicting evidence, the clinical significance of this alteration remains unclear.

NM_152296.5(ATP1A3):c.1302+1G>C

Gene: ATP1A3 (ATPase Na+/K+ transporting subunit alpha 3; minus strand). Cytogenetic location: 19q13.2.
Variant type: single nucleotide variant.
Coding change: c.1302+1G>C on transcript NM_152296.5 (MANE Select); the canonical splice donor site of the intron after coding-DNA position 1302, G replaced by C.
Molecular consequence: splice donor variant.
Genome position (GRCh38, 1-based): chr19:41,981,721, C>G on the plus strand (G>C on the coding strand, the complement: ATP1A3 is on the minus strand). VCF-style: chr19-41981721-C-G. GRCh37 (hg19) VCF-style: chr19-42485873-C-G.
Other names: c.1341+1G>C (NM_001256214.2); c.1335+1G>C (NM_001256213.2).
Identifiers: ClinVar variation 2231408 (VCV002231408.2), dbSNP rs1599719130, ClinGen allele CA406050098.